The following is an entry in ClinVar:

ClinVar aggregate classification (germline): Uncertain significance (1 of 4 stars; one submission).

Conditions:
WRN-related disorder. Also called: WRN-related condition.

Allele frequency attached by ClinVar (database versions not stated): gnomAD exomes below 0.00001.
gnomAD v4.1: 1 of 1,614,042 alleles (0.000062%); highest among the groups gnomAD compares: Non-Finnish European, 0.000085%; no homozygotes.

Submission:

PreventionGenetics, part of Exact Sciences
Classification: Uncertain significance for WRN-related condition. Last evaluated: 2023-05-17. Review status: criteria provided, single submitter. Criteria: ACMG Guidelines, 2015. Collection method: clinical testing. Allele origin: germline.
Comment: The WRN c.4259A>G variant is predicted to result in the amino acid substitution p.Lys1420Arg. To our knowledge, this variant has not been reported in the literature or in a large population database, indicating this variant is rare. At this time, the clinical significance of this variant is uncertain due to the absence of conclusive functional and genetic evidence.

NM_000553.6(WRN):c.4259A>G (p.Lys1420Arg)

Genes: WRN (WRN RecQ like helicase; plus strand), LOC126860342 (MED14-independent group 3 enhancer GRCh37_chr8:31029565-31030764; plus strand). Cytogenetic location: 8p12.
Variant type: single nucleotide variant.
Coding change: c.4259A>G on transcript NM_000553.6 (MANE Select); coding-DNA position 4259, A replaced by G.
Protein change: p.Lys1420Arg; replaces lysine 1420 with arginine.
Molecular consequence: missense variant.
Genome position (GRCh38, 1-based): chr8:31,173,062, A>G. VCF-style: chr8-31173062-A-G. GRCh37 (hg19) VCF-style: chr8-31030578-A-G.
Other names: short protein forms K1420R.
Identifiers: ClinVar variation 2632224 (VCV002632224.1), dbSNP rs2536089313, ClinGen allele CA370911801.
Genomic context (GRCh38, chr8:31,173,062, plus strand): 5'-CTGCAGAGAGAAAGAGACGATTACCTGTGTGGTTTGCCAAAGGAAGTGATACCAGCAAGA[A>G]ATTAATGGACAAAACGAAAAGGGGAGGTCTTTTTAGTTAAGCTGGCAATTACCAGAACAA-3'
Protein context (NP_000544.2, residues 1410-1430): WFAKGSDTSK[Lys1420Arg]LMDKTKRGGL